The following is an entry in ClinVar:

NM_004991.4(MECOM):c.3259T>G (p.Leu1087Val)

Gene: MECOM (MDS1 and EVI1 complex locus; minus strand). Cytogenetic location: 3q26.2.
Variant type: single nucleotide variant.
Coding change: c.3259T>G on transcript NM_004991.4 (MANE Select); coding-DNA position 3259, T replaced by G.
Protein change: p.Leu1087Val; replaces leucine 1087 with valine.
Molecular consequence: missense variant.
Genome position (GRCh38, 1-based): chr3:169,090,142, A>C on the plus strand (T>G on the coding strand, the complement: MECOM is on the minus strand). VCF-style: chr3-169090142-A-C. GRCh37 (hg19) VCF-style: chr3-168807930-A-C.
Other names: c.2890T>G, p.Leu964Val (NM_001105077.4); c.2695T>G, p.Leu899Val (NM_001105078.4, NM_001205194.2, NM_001366469.2 and 1 more transcripts); c.2671T>G, p.Leu891Val (NM_001163999.2, NM_001366470.2); c.2668T>G, p.Leu890Val (NM_001164000.2, NM_001366471.2, NM_001366472.2); c.3232T>G, p.Leu1078Val (NM_001366466.2); c.2698T>G, p.Leu900Val (NM_001366467.2, NM_001366468.2); c.2260T>G, p.Leu754Val (NM_001366473.2); c.1696T>G, p.Leu566Val (NM_001366474.2); short protein forms L566V, L891V, L964V, L899V, L1078V, L754V, L1087V, L890V.
Identifiers: ClinVar variation 4053269 (VCV004053269.1).

ClinVar aggregate classification (germline): Uncertain significance (1 of 4 stars; one submission).

Conditions:
Inborn genetic diseases. Identifiers: MedGen C0950123, MeSH D030342.

Submission:

Ambry Genetics
Classification: Uncertain significance for Inborn genetic diseases. Last evaluated: 2025-05-18. Review status: criteria provided, single submitter. Criteria: Ambry Variant Classification Scheme 2023. Collection method: clinical testing. Allele origin: germline.
Comment: The p.L1087V variant (also known as c.3259T>G), located in coding exon 15 of the MECOM gene, results from a T to G substitution at nucleotide position 3259. The leucine at codon 1087 is replaced by valine, an amino acid with highly similar properties. This amino acid position is conserved. In addition, this alteration is predicted to be tolerated by in silico analysis. Based on the available evidence, the clinical significance of this variant remains unclear.